The following is an entry in ClinVar:

ClinVar aggregate classification (germline): Uncertain significance (1 of 4 stars; one submission).

Conditions:
UDPglucose-4-epimerase deficiency. Also called: UDPglucose 4-Epimerase Deficiency Disease; GALACTOSEMIA III; GALE DEFICIENCY; Epimerase Deficiency Galactosemia; UDP-GALACTOSE-4-EPIMERASE DEFICIENCY; Galactose epimerase deficiency. Identifiers: Orphanet 352, Orphanet 79238, MedGen C0751161, MONDO:0009257, OMIM 230350.

Submission:

3billion
Classification: Uncertain significance for UDPglucose-4-epimerase deficiency. Last evaluated: 2026-01-26. Review status: criteria provided, single submitter. Criteria: ACMG Guidelines, 2015. Collection method: clinical testing. Allele origin: germline. Affected: yes.
Comment: The variant is observed at an extremely low frequency in the gnomAD v4.1.0 dataset (total allele frequency: <0.001%). Predicted Consequence/Location: Missense variant Functional studies provide moderate evidence of the variant having a damaging effect on the gene or gene product (PMID: 16301867). In silico tool predictions suggest damaging effect of the variant on gene or gene product [REVEL: 0.92 (>=0.6, sensitivity 0.68 and specificity 0.92); 3Cnet: 0.99 (> 0.75, sensitivity 0.96 and precision 0.92)]. The same nucleotide change resulting in the same amino acid change has been previously reported as pathogenic/likely pathogenic with strong evidence (ClinVar ID: VCV000021172 /PMID: 16301867). The variant has been reported to be in trans with a pathogenic variant as either compound heterozygous or homozygous in at least one similarly affected unrelated individual (PMID: 16301867). Therefore, this variant is classified as Pathogenic according to the recommendation of ACMG/AMP guideline.

NM_001008216.2(GALE):c.814G>A (p.Gly272Ser)

Gene: GALE (UDP-galactose-4-epimerase; minus strand). Cytogenetic location: 1p36.11.
Variant type: single nucleotide variant.
Coding change: c.814G>A on transcript NM_001008216.2 (MANE Select); coding-DNA position 814, G replaced by A.
Protein change: p.Gly272Ser; replaces glycine 272 with serine.
Molecular consequence: missense variant.
Genome position (GRCh38, 1-based): chr1:23,796,568, C>T on the plus strand (G>A on the coding strand, the complement: GALE is on the minus strand). VCF-style: chr1-23796568-C-T. GRCh37 (hg19) VCF-style: chr1-24123058-C-T.
Other names: c.814G>A, p.Gly272Ser (NM_000403.4, NM_001127621.2); short protein forms G272S.
Identifiers: ClinVar variation 4854619 (VCV004854619.1).